The following is an entry in ClinVar:

NM_000536.4(RAG2):c.253G>C (p.Glu85Gln)

Gene: RAG2 (recombination activating 2; minus strand). Cytogenetic location: 11p12.
Variant type: single nucleotide variant.
Coding change: c.253G>C on transcript NM_000536.4 (MANE Select); coding-DNA position 253, G replaced by C.
Protein change: p.Glu85Gln; replaces glutamic acid 85 with glutamine.
Molecular consequence: missense variant.
Genome position (GRCh38, 1-based): chr11:36,593,916, C>G on the plus strand (G>C on the coding strand, the complement: RAG2 is on the minus strand). VCF-style: chr11-36593916-C-G. GRCh37 (hg19) VCF-style: chr11-36615466-C-G.
Other names: c.253G>C, p.Glu85Gln (NM_001243785.2, NM_001243786.2); short protein forms E85Q.
Identifiers: ClinVar variation 1986929 (VCV001986929.1), dbSNP rs775526056, ClinGen allele CA5950600.

ClinVar aggregate classification (germline): Uncertain significance (1 of 4 stars; one submission).

Conditions:
Severe combined immunodeficiency, autosomal recessive, T cell-negative, B cell-negative, NK cell-positive. Also called: SCID, AR, T-cell negative, B-cell negative, NK cell-positive; SCID, T CELL-NEGATIVE, B CELL-NEGATIVE, NK CELL-POSITIVE; Severe combined immunodeficiency due to complete RAG1/2 deficiency. Identifiers: Orphanet 331206, MedGen C1832322, MONDO:0011086, OMIM 601457.
Combined immunodeficiency with skin granulomas. Identifiers: Orphanet 157949, MedGen C2673536, MONDO:0009306, OMIM 233650.

Allele frequency attached by ClinVar (database versions not stated): ExAC 0.00001; gnomAD exomes 0.00003.
gnomAD v4.1: 38 of 1,614,224 alleles (0.0024%); highest among the groups gnomAD compares: Non-Finnish European, 0.0032%; no homozygotes.

Submission:

Labcorp Genetics (formerly Invitae), Labcorp
Classification: Uncertain significance for Combined immunodeficiency with skin granulomas; Severe combined immunodeficiency, autosomal recessive, T cell-negative, B cell-negative, NK cell-positive. Last evaluated: 2022-04-23. Review status: criteria provided, single submitter. Criteria: Invitae Variant Classification Sherloc (09022015). Collection method: clinical testing. Allele origin: germline.
Comment: This sequence change replaces glutamic acid, which is acidic and polar, with glutamine, which is neutral and polar, at codon 85 of the RAG2 protein (p.Glu85Gln). This variant is present in population databases (rs775526056, gnomAD 0.0009%). This variant has not been reported in the literature in individuals affected with RAG2-related conditions. Algorithms developed to predict the effect of missense changes on protein structure and function (SIFT, PolyPhen-2, Align-GVGD) all suggest that this variant is likely to be tolerated. In summary, the available evidence is currently insufficient to determine the role of this variant in disease. Therefore, it has been classified as a Variant of Uncertain Significance.